The following is an entry in ClinVar:

NM_003673.4(TCAP):c.111C>G (p.Gly37=)

Gene: TCAP (titin-cap; plus strand). Cytogenetic location: 17q12.
Variant type: single nucleotide variant.
Coding change: c.111C>G on transcript NM_003673.4 (MANE Select); coding-DNA position 111, C replaced by G.
Protein change: p.Gly37=; no amino-acid change (glycine 37 retained).
Molecular consequence: synonymous variant.
Genome position (GRCh38, 1-based): chr17:39,665,716, C>G. VCF-style: chr17-39665716-C-G. GRCh37 (hg19) VCF-style: chr17-37821969-C-G.
Identifiers: ClinVar variation 2036224 (VCV002036224.4), dbSNP rs1451415088, ClinGen allele CA499888896.

ClinVar aggregate classification (germline): Uncertain significance (1 of 4 stars; one submission).

Conditions:
Primary familial hypertrophic cardiomyopathy (HCM). Identifiers: Orphanet 99739, MedGen C0949658, MeSH D024741, MONDO:0024573. Inheritance: Various modes of inheritance.
Hypertrophic cardiomyopathy 25 (CMH25). Also called: CARDIOMYOPATHY, FAMILIAL HYPERTROPHIC, 25. Identifiers: MedGen C4225408, MONDO:0011843, OMIM 607487.

Submission:

Labcorp Genetics (formerly Invitae), Labcorp
Classification: Uncertain significance for Hypertrophic cardiomyopathy 25; Primary familial hypertrophic cardiomyopathy. Last evaluated: 2022-10-20. Review status: criteria provided, single submitter. Criteria: Invitae Variant Classification Sherloc (09022015). Collection method: clinical testing. Allele origin: germline.
Comment: In summary, the available evidence is currently insufficient to determine the role of this variant in disease. Therefore, it has been classified as a Variant of Uncertain Significance. Algorithms developed to predict the effect of sequence changes on RNA splicing suggest that this variant is not likely to affect RNA splicing. This variant has not been reported in the literature in individuals affected with TCAP-related conditions. This variant is not present in population databases (gnomAD no frequency). This sequence change affects codon 37 of the TCAP mRNA. It is a 'silent' change, meaning that it does not change the encoded amino acid sequence of the TCAP protein. It affects a nucleotide within the consensus splice site.